The following is an entry in ClinVar:

NM_001367624.2(ZNF469):c.8248G>T (p.Ala2750Ser)

Gene: ZNF469 (zinc finger protein 469; plus strand). Cytogenetic location: 16q24.2.
Variant type: single nucleotide variant.
Coding change: c.8248G>T on transcript NM_001367624.2 (MANE Select); coding-DNA position 8248, G replaced by T.
Protein change: p.Ala2750Ser; replaces alanine 2750 with serine.
Molecular consequence: missense variant.
Genome position (GRCh38, 1-based): chr16:88,435,718, G>T. VCF-style: chr16-88435718-G-T. GRCh37 (hg19) VCF-style: chr16-88502126-G-T.
Other names: short protein forms A2750S.
Identifiers: ClinVar variation 4535933 (VCV004535933.1).

ClinVar aggregate classification (germline): Uncertain significance (1 of 4 stars; one submission).

Submission:

Women's Health and Genetics/Laboratory Corporation of America, LabCorp
Classification: Uncertain significance. Last evaluated: 2025-09-02. Review status: criteria provided, single submitter. Criteria: LabCorp Variant Classification Summary - May 2015. Collection method: clinical testing. Allele origin: germline.
Comment: Variant summary: ZNF469 c.8248G>T (p.Ala2750Ser) results in a conservative amino acid change in the encoded protein sequence. Algorithms developed to predict the effect of missense changes on protein structure and function are either unavailable or do not agree on the potential impact of this missense change. The variant was absent in 154032 control chromosomes. The available data on variant occurrences in the general population are insufficient to allow any conclusion about variant significance. To our knowledge, no occurrence of c.8248G>T in individuals affected with ZNF469-related conditions and no experimental evidence demonstrating its impact on protein function have been reported. No submitters have cited clinical-significance assessments for this variant to ClinVar. Based on the evidence outlined above, the variant was classified as uncertain significance.